The following is an entry in ClinVar:

NM_000204.5(CFI):c.482+6C>A

Gene: CFI (complement factor I; minus strand). Cytogenetic location: 4q25.
Variant type: single nucleotide variant.
Coding change: c.482+6C>A on transcript NM_000204.5 (MANE Select); 6 bases into the intron after coding-DNA position 482, C replaced by A.
Molecular consequence: intron variant.
Genome position (GRCh38, 1-based): chr4:109,764,531, G>T on the plus strand (C>A on the coding strand, the complement: CFI is on the minus strand). VCF-style: chr4-109764531-G-T. GRCh37 (hg19) VCF-style: chr4-110685687-G-T.
Other names: p.?; c.482+6C>A (NM_001375282.1, NM_001375280.1, NM_001375281.1 and 5 more transcripts); c.-127-2839C>A (NM_001375284.1).
Identifiers: ClinVar variation 717208 (VCV000717208.18), dbSNP rs79375065, ClinGen allele CA3042265.

ClinVar aggregate classification (germline): Benign/Likely benign. Review status: criteria provided, multiple submitters, no conflicts (2 of 4 stars). 6 submissions from 6 submitters: Benign (4); Likely benign (2). Last evaluated 2026-01-28.

Conditions:
Atypical hemolytic-uremic syndrome. Identifiers: Orphanet 2134, MedGen C2931788, MONDO:0016244.
Atypical hemolytic-uremic syndrome with I factor anomaly. Also called: HEMOLYTIC UREMIC SYNDROME, ATYPICAL, SUSCEPTIBILITY TO, 3; AHUS, SUSCEPTIBILITY TO, 3. Identifiers: Orphanet 2134, MedGen C2752039, MONDO:0013041, OMIM 612923.

Allele frequency attached by ClinVar (database versions not stated): 1000 Genomes Project 0.01378; 1000 Genomes Project 30x 0.01593.
gnomAD v4.1: 3,605 of 1,613,784 alleles (0.22%); highest among the groups gnomAD compares: African/African-American, 4.3%; 83 homozygotes.

Submissions (6):

Labcorp Genetics (formerly Invitae), Labcorp
Classification: Benign. Last evaluated: 2026-01-28. Review status: criteria provided, single submitter. Criteria: Invitae Variant Classification Sherloc (09022015). Collection method: clinical testing. Allele origin: germline.

Women's Health and Genetics/Laboratory Corporation of America, LabCorp
Classification: Benign. Last evaluated: 2026-01-22. Review status: criteria provided, single submitter. Criteria: LabCorp Variant Classification Summary - May 2015. Collection method: clinical testing. Allele origin: germline.

Blueprint Genetics
Classification: Likely benign. Last evaluated: 2024-11-15. Review status: criteria provided, single submitter. Criteria: ACMG Guidelines, 2015. Collection method: clinical testing. Allele origin: germline.

Mayo Clinic Laboratories, Mayo Clinic
Classification: Benign. Last evaluated: 2022-11-28. Review status: criteria provided, single submitter. Criteria: ACMG Guidelines, 2015. Collection method: clinical testing. Allele origin: germline. Observed: 79 variant alleles.
Comment: BA1

Genome Diagnostics Laboratory, The Hospital for Sick Children
Classification: Likely benign for Atypical hemolytic-uremic syndrome. Last evaluated: 2020-11-03. Review status: criteria provided, single submitter. Criteria: ACMG Guidelines, 2015. Collection method: clinical testing. Allele origin: germline.

Illumina Laboratory Services, Illumina
Classification: Benign for Atypical hemolytic-uremic syndrome with I factor anomaly. Last evaluated: 2018-01-13. Review status: criteria provided, single submitter. Criteria: ICSL Variant Classification Criteria 13 December 2019. Collection method: clinical testing. Allele origin: germline.
Comment: This variant was observed in the ICSL laboratory as part of a predisposition screen in an ostensibly healthy population. It had not been previously curated by ICSL or reported in the Human Gene Mutation Database (HGMD: prior to June 1st, 2018), and was therefore a candidate for classification through an automated scoring system. Utilizing variant allele frequency, disease prevalence and penetrance estimates, and inheritance mode, an automated score was calculated to assess if this variant is too frequent to cause the disease. Based on the score and internal cut-off values, a variant classified as benign is not then subjected to further curation. The score for this variant resulted in a classification of benign for this disease.